The following is an entry in ClinVar:

ClinVar aggregate classification (germline): Likely benign. Review status: criteria provided, multiple submitters, no conflicts (2 of 4 stars). 2 submissions from 2 submitters: Likely benign (2). Last evaluated 2025-02-19.

Conditions:
Breast-ovarian cancer, familial, susceptibility to, 3. Also called: RAD51C-Related Breast/Ovarian Cancer. Identifiers: Orphanet 145, MedGen C3150659, MONDO:0013253, OMIM 613399.
Fanconi anemia complementation group O. Also called: RAD51C-Related Fanconi Anemia. Identifiers: Orphanet 84, MedGen C3150653, MONDO:0013248, OMIM 613390.

Submissions (2):

Myriad Genetics, Inc.
Classification: Likely benign for Breast-ovarian cancer, familial, susceptibility to, 3. Last evaluated: 2025-02-19. Review status: criteria provided, single submitter. Criteria: Myriad Autosomal Dominant, Autosomal Recessive and X-Linked Classification Criteria (2023). Collection method: clinical testing. Allele origin: unknown.
Comment: This variant is considered likely benign. This variant is intronic and is not expected to impact mRNA splicing.

Labcorp Genetics (formerly Invitae), Labcorp
Classification: Likely benign for Fanconi anemia complementation group O. Last evaluated: 2025-01-14. Review status: criteria provided, single submitter. Criteria: Invitae Variant Classification Sherloc (09022015). Collection method: clinical testing. Allele origin: germline.

NM_058216.3(RAD51C):c.965+10G>T

Gene: RAD51C (RAD51 paralog C; plus strand). Cytogenetic location: 17q22.
Variant type: single nucleotide variant.
Coding change: c.965+10G>T on transcript NM_058216.3 (MANE Select); 10 bases into the intron after coding-DNA position 965, G replaced by T.
Molecular consequence: intron variant.
Genome position (GRCh38, 1-based): chr17:58,724,110, G>T. VCF-style: chr17-58724110-G-T. GRCh37 (hg19) VCF-style: chr17-56801471-G-T.
Identifiers: ClinVar variation 3655449 (VCV003655449.3).
Genomic context (GRCh38, chr17:58,724,110, plus strand): 5'-GGGACATGCTGCTACAATACGGCTAATCTTTCATTGGGACCGAAAGCAAAGGTCAGTACA[G>T]AAACAAGTTAATAACTCCGAATATTGGGTTAATTATACTGAATGAACACTTACAGGTTTC-3'